The following is an entry in ClinVar:

ClinVar aggregate classification (germline): Uncertain significance (1 of 4 stars; one submission).

Conditions:
Agammaglobulinemia 7, autosomal recessive (AGM7). Also called: AGAMMAGLOBULINEMIA, AUTOSOMAL RECESSIVE, DUE TO PIK3R1 DEFECT. Identifiers: MedGen C3554689, MONDO:0014083, OMIM 615214.
Immunodeficiency 36 with lymphoproliferation. Also called: Immunodeficiency 36; ACTIVATED PI3K-DELTA SYNDROME 2; Activated PI3K Delta Syndrome Type 2 (APDS2). Identifiers: Orphanet 397596, Orphanet 693681, MedGen C4014934, MONDO:0014453, OMIM 616005.
SHORT syndrome. Also called: SHORT STATURE, HYPEREXTENSIBILITY, HERNIA, OCULAR DEPRESSION, RIEGER ANOMALY, AND TEETHING DELAY; LIPODYSTROPHY, PARTIAL, WITH RIEGER ANOMALY AND SHORT STATURE; PIK3R1-Related SHORT Syndrome. Identifiers: Orphanet 3163, MedGen C0878684, MONDO:0010026, OMIM 269880.

gnomAD v4.1: 5 of 1,613,728 alleles (0.00031%); highest among the groups gnomAD compares: Non-Finnish European, 0.00034%; no homozygotes.

Submission:

Labcorp Genetics (formerly Invitae), Labcorp
Classification: Uncertain significance for SHORT syndrome; Immunodeficiency 36 with lymphoproliferation; Agammaglobulinemia 7, autosomal recessive. Last evaluated: 2024-12-23. Review status: criteria provided, single submitter. Criteria: Invitae Variant Classification Sherloc (09022015). Collection method: clinical testing. Allele origin: germline.
Comment: This sequence change replaces glycine, which is neutral and non-polar, with arginine, which is basic and polar, at codon 353 of the PIK3R1 protein (p.Gly353Arg). This variant is present in population databases (rs766580706, gnomAD 0.0009%). This variant has not been reported in the literature in individuals affected with PIK3R1-related conditions. Invitae Evidence Modeling of protein sequence and biophysical properties (such as structural, functional, and spatial information, amino acid conservation, physicochemical variation, residue mobility, and thermodynamic stability) indicates that this missense variant is expected to disrupt PIK3R1 protein function with a positive predictive value of 80%. In summary, the available evidence is currently insufficient to determine the role of this variant in disease. Therefore, it has been classified as a Variant of Uncertain Significance.

NM_181523.3(PIK3R1):c.1057G>A (p.Gly353Arg)

Gene: PIK3R1 (phosphoinositide-3-kinase regulatory subunit 1; plus strand). Cytogenetic location: 5q13.1.
Variant type: single nucleotide variant.
Coding change: c.1057G>A on transcript NM_181523.3 (MANE Select); coding-DNA position 1057, G replaced by A.
Protein change: p.Gly353Arg; replaces glycine 353 with arginine.
Molecular consequence: missense variant. On other transcripts: 5 prime UTR variant (1).
Genome position (GRCh38, 1-based): chr5:68,293,138, G>A. VCF-style: chr5-68293138-G-A. GRCh37 (hg19) VCF-style: chr5-67588966-G-A.
Other names: c.-33G>A (NM_001242466.2); c.247G>A, p.Gly83Arg (NM_181504.4); c.157G>A, p.Gly53Arg (NM_181524.2); short protein forms G353R, G53R, G83R.
Identifiers: ClinVar variation 3750190 (VCV003750190.2).